The following is an entry in ClinVar:

ClinVar aggregate classification (germline): Likely benign. Review status: criteria provided, single submitter (1 of 4 stars). 2 submissions from 2 submitters: Likely benign (1). 1 of the submissions does not count toward it. Last evaluated 2019-12-31.

Conditions:
ITGB6-related disorder. Also called: ITGB6-related condition.

Allele frequency attached by ClinVar (database versions not stated): TOPMed 0.00011; 1000 Genomes Project 30x 0.00016; 1000 Genomes Project 0.00020; ESP Exome Variant Server 0.00023; gnomAD 0.00027 and 0.00028; ExAC 0.00030; gnomAD exomes 0.00032.
gnomAD v4.1: 393 of 1,613,412 alleles (0.024%); highest among the groups gnomAD compares: Non-Finnish European, 0.022%; 1 homozygote.

Submissions (3):

Labcorp Genetics (formerly Invitae), Labcorp
Classification: Likely benign. Last evaluated: 2019-12-31. Review status: criteria provided, single submitter. Criteria: Invitae Variant Classification Sherloc (09022015). Collection method: clinical testing. Allele origin: germline.

PreventionGenetics, part of Exact Sciences
Classification: Likely benign for ITGB6-related condition. Last evaluated: 2019-08-16. Review status: no assertion criteria provided. Collection method: clinical testing. Allele origin: germline. Not counted in ClinVar's aggregate classification.
Comment: This variant is classified as likely benign based on ACMG/AMP sequence variant interpretation guidelines (Richards et al. 2015 PMID: 25741868, with internal and published modifications).

Dr. Peter K. Rogan Lab, Western University
No classification provided (evidence only). Condition: Cervical cancer. Review status: no classification provided. Collection method: in vitro. Allele origin: not applicable. Functional consequence: skipped exon. Not counted in ClinVar's aggregate classification.

NM_000888.5(ITGB6):c.168C>T (p.Gly56=)

Gene: ITGB6 (integrin subunit beta 6; minus strand). Cytogenetic location: 2q24.2.
Variant type: single nucleotide variant.
Coding change: c.168C>T on transcript NM_000888.5 (MANE Select); coding-DNA position 168, C replaced by T.
Protein change: p.Gly56=; no amino-acid change (glycine 56 retained).
Molecular consequence: synonymous variant. On other transcripts: missense variant (1), 5 prime UTR variant (1), intron variant (1).
Genome position (GRCh38, 1-based): chr2:160,196,394, G>A on the plus strand (C>T on the coding strand, the complement: ITGB6 is on the minus strand). VCF-style: chr2-160196394-G-A. GRCh37 (hg19) VCF-style: chr2-161052905-G-A.
Other names: NC_000002.11:g.161052905G>A; c.122C>T (NM_001282389.1); c.168C>T, p.Gly56= (NM_001282353.2, NM_001282355.2); c.42C>T, p.Gly14= (NM_001282388.2); c.122C>T, p.Ala41Val (NM_001282389.2); c.-74C>T (NM_001282390.2); c.62-779C>T (NM_001282354.2); short protein forms A41V.
Identifiers: ClinVar variation 746746 (VCV000746746.7), dbSNP rs199924562, ClinGen allele CA1929585.